The following is an entry in ClinVar:

NM_005359.6(SMAD4):c.885G>T (p.Pro295=)

Gene: SMAD4 (SMAD family member 4; plus strand). Cytogenetic location: 18q21.2.
Variant type: single nucleotide variant.
Coding change: c.885G>T on transcript NM_005359.6 (MANE Select); coding-DNA position 885, G replaced by T.
Protein change: p.Pro295=; no amino-acid change (proline 295 retained).
Molecular consequence: synonymous variant.
Genome position (GRCh38, 1-based): chr18:51,058,437, G>T. VCF-style: chr18-51058437-G-T. GRCh37 (hg19) VCF-style: chr18-48584807-G-T.
Identifiers: ClinVar variation 705072 (VCV000705072.12), dbSNP rs772028872, ClinGen allele CA503994097.

ClinVar aggregate classification (germline): Benign/Likely benign. Review status: criteria provided, multiple submitters, no conflicts (2 of 4 stars). 3 submissions from 3 submitters: Benign (1); Likely benign (2). Last evaluated 2025-12-22.

Conditions:
Hereditary cancer-predisposing syndrome. Also called: Hereditary neoplastic syndrome; Neoplastic Syndromes, Hereditary; Tumor predisposition; Hereditary Cancer Syndrome. Identifiers: Orphanet 140162, MedGen C0027672, MeSH D009386, MONDO:0015356.
Familial thoracic aortic aneurysm and aortic dissection (TAAD). Also called: Thoracic aortic aneurysms and dissections. Identifiers: Orphanet 91387, MedGen C4707243, MONDO:0019625.
Juvenile polyposis syndrome (JPS). Identifiers: Orphanet 2929, MedGen C0345893, MONDO:0017380, OMIM 174900.
Juvenile polyposis/hereditary hemorrhagic telangiectasia syndrome (JPHT). Also called: Juvenile Polyposis Syndrome / Hereditary Hemorrhagic Telangiectasia (JPS/HHT); JP/HHT SYNDROME; JUVENILE POLYPOSIS WITH HEREDITARY HEMORRHAGIC TELANGIECTASIA; POLYPOSIS, GENERALIZED JUVENILE, WITH PULMONARY ARTERIOVENOUS MALFORMATION; TELANGIECTASIA, HEREDITARY HEMORRHAGIC, WITH JUVENILE POLYPOSIS COLI. Identifiers: Orphanet 2929, MedGen C1832942, MONDO:0008278, OMIM 175050.

Submissions (3):

Labcorp Genetics (formerly Invitae), Labcorp
Classification: Likely benign for Juvenile polyposis syndrome. Last evaluated: 2025-12-22. Review status: criteria provided, single submitter. Criteria: Invitae Variant Classification Sherloc (09022015). Collection method: clinical testing. Allele origin: germline.

Myriad Genetics, Inc.
Classification: Benign for Juvenile polyposis/hereditary hemorrhagic telangiectasia syndrome. Last evaluated: 2025-03-20. Review status: criteria provided, single submitter. Criteria: Myriad Autosomal Dominant, Autosomal Recessive and X-Linked Classification Criteria (2023). Collection method: clinical testing. Allele origin: unknown.
Comment: This variant is considered benign. This variant is a silent/synonymous amino acid change and it is not expected to impact splicing.

Ambry Genetics
Classification: Likely benign for Hereditary cancer-predisposing syndrome; Familial thoracic aortic aneurysm and aortic dissection. Last evaluated: 2022-03-28. Review status: criteria provided, single submitter. Criteria: Ambry Variant Classification Scheme 2023. Collection method: clinical testing. Allele origin: germline.